The following is an entry in ClinVar:

NM_138387.4(G6PC3):c.758G>A (p.Arg253His)

Gene: G6PC3 (glucose-6-phosphatase catalytic subunit 3; plus strand). Cytogenetic location: 17q21.31.
Variant type: single nucleotide variant.
Coding change: c.758G>A on transcript NM_138387.4 (MANE Select); coding-DNA position 758, G replaced by A.
Protein change: p.Arg253His; replaces arginine 253 with histidine.
Molecular consequence: missense variant. On other transcripts: 3 prime UTR variant (1).
Genome position (GRCh38, 1-based): chr17:44,075,760, G>A. VCF-style: chr17-44075760-G-A. GRCh37 (hg19) VCF-style: chr17-42153128-G-A.
Other names: G6PC3, ARG253HIS; c.*51G>A (NM_001319945.2); c.413G>A, p.Arg138His (NM_001384165.1, NM_001384166.1, NM_001384167.1 and 1 more transcripts); short protein forms R253H, R138H.
Identifiers: ClinVar variation 1037 (VCV000001037.36), dbSNP rs118203968, ClinGen allele CA339863.

ClinVar aggregate classification (germline): Pathogenic. Review status: criteria provided, multiple submitters, no conflicts (2 of 4 stars). 5 submissions from 5 submitters: Pathogenic (3). 2 of the submissions do not count toward it. Last evaluated 2026-01-08.

Conditions:
Autosomal recessive severe congenital neutropenia due to G6PC3 deficiency. Also called: NEUTROPENIA, SEVERE CONGENITAL, 4, AUTOSOMAL RECESSIVE; G6PC3 Deficiency. Identifiers: Orphanet 331176, MedGen C2751630, MONDO:0012930, OMIM 612541.

Allele frequency attached by ClinVar (database versions not stated): gnomAD 0.00001; gnomAD exomes 0.00001; ExAC 0.00002; TOPMed 0.00002.
gnomAD v4.1: 18 of 1,612,318 alleles (0.0011%); highest among the groups gnomAD compares: East Asian, 0.0022%; no homozygotes.

Submissions (5):

Labcorp Genetics (formerly Invitae), Labcorp
Classification: Pathogenic for Autosomal recessive severe congenital neutropenia due to G6PC3 deficiency. Last evaluated: 2026-01-08. Review status: criteria provided, single submitter. Criteria: Invitae Variant Classification Sherloc (09022015). Collection method: clinical testing. Allele origin: germline.
Comment: This sequence change replaces arginine, which is basic and polar, with histidine, which is basic and polar, at codon 253 of the G6PC3 protein (p.Arg253His). This variant is present in population databases (rs118203968, gnomAD 0.002%). This missense change has been observed in individuals with severe congenital neutropenia (PMID: 19118303, 20717171, 21385794). It has also been observed to segregate with disease in related individuals. ClinVar contains an entry for this variant (Variation ID: 1037). Invitae Evidence Modeling of protein sequence and biophysical properties (such as structural, functional, and spatial information, amino acid conservation, physicochemical variation, residue mobility, and thermodynamic stability) indicates that this missense variant is expected to disrupt G6PC3 protein function with a positive predictive value of 95%. Experimental studies have shown that this missense change affects G6PC3 function (PMID: 19118303). For these reasons, this variant has been classified as Pathogenic.

CeGaT Center for Human Genetics Tuebingen
Classification: Pathogenic. Last evaluated: 2023-12-01. Review status: criteria provided, single submitter. Criteria: CeGaT Center For Human Genetics Tuebingen Variant Classification Criteria Version 2. Collection method: clinical testing. Allele origin: germline. Affected: yes. Observed: 3 variant alleles.
Comment: G6PC3: PM3:Very Strong, PM2, PP1, PS3:Supporting

GeneDx
Classification: Pathogenic. Last evaluated: 2023-08-14. Review status: criteria provided, single submitter. Criteria: GeneDx Variant Classification Process June 2021. Collection method: clinical testing. Allele origin: germline. Affected: yes.
Comment: Published functional studies demonstrate a damaging effect on G6PC3 phosphatase activity (Boztug et al., 2009; Lin et al., 2015); In silico analysis supports that this missense variant has a deleterious effect on protein structure/function; Not observed at significant frequency in large population cohorts (gnomAD); This variant is associated with the following publications: (PMID: 21385794, 23196894, 27051561, 34964150, 20616219, 32051561, 19118303, 25491320, 20717171, 34305938, 25284454, 33259599, 25492228)

OMIM
Classification: Pathogenic for NEUTROPENIA, SEVERE CONGENITAL, 4, AUTOSOMAL RECESSIVE. Last evaluated: 2011-01-01. Review status: no assertion criteria provided. Collection method: literature only. Allele origin: germline. Not counted in ClinVar's aggregate classification.

GeneReviews
No classification provided. Condition: Autosomal recessive severe congenital neutropenia due to G6PC3 deficiency. Review status: no classification provided. Collection method: literature only. Allele origin: germline. Affected: yes. Not counted in ClinVar's aggregate classification.

Literature cited by the submitters: PubMed 19118303 (cited by Labcorp Genetics (formerly Invitae), Labcorp and OMIM); PubMed 20717171 (cited by 3 submitters); PubMed 21385794 (cited by Labcorp Genetics (formerly Invitae), Labcorp); NCBI Bookshelf NBK285321 (cited by GeneReviews).